The following is an entry in ClinVar:

ClinVar aggregate classification (germline): Conflicting classifications of pathogenicity. Review status: criteria provided, conflicting classifications (1 of 4 stars). 4 submissions from 4 submitters: Likely pathogenic (1); Uncertain significance (1). 2 of the submissions do not count toward it. Last evaluated 2026-01-25.

Conditions:
Dilated cardiomyopathy 1G (CMD1G). Identifiers: Orphanet 154, MedGen C1858763, MONDO:0011400, OMIM 604145.
Autosomal recessive limb-girdle muscular dystrophy type 2J (LGMDR10). Also called: Limb-girdle muscular dystrophy, type 2J; MUSCULAR DYSTROPHY, LIMB-GIRDLE, AUTOSOMAL RECESSIVE 10. Identifiers: Orphanet 140922, MedGen C1837342, MONDO:0012127, OMIM 608807.
Hypertrophic cardiomyopathy 9. Also called: Familial hypertrophic cardiomyopathy 9. Identifiers: MedGen C1861065, MONDO:0013412, OMIM 613765.
Early-onset myopathy with fatal cardiomyopathy (CMYO5). Also called: CONGENITAL MYOPATHY 5 WITH CARDIOMYOPATHY; Salih Myopathy. Identifiers: Orphanet 289377, MedGen C2673677, MONDO:0012714, OMIM 611705. Disease mechanism: loss of function.
Myopathy, myofibrillar, 9, with early respiratory failure (MFM9). Also called: EDSTROM MYOPATHY; MYOPATHY, PROXIMAL, WITH EARLY RESPIRATORY MUSCLE INVOLVEMENT; Hereditary myopathy with early respiratory failure; Myopathy, distal, with early respiratory failure, autosomal dominant. Identifiers: Orphanet 178464, Orphanet 34521, MedGen C1863599, MONDO:0011362, OMIM 603689.
Tibial muscular dystrophy (TMD). Also called: Tibial muscular dystrophy, tardive; UDD MYOPATHY; Udd Distal Myopathy – Tibial Muscular Dystrophy. Identifiers: Orphanet 609, MedGen C1838244, MONDO:0010870, OMIM 600334.

Allele frequency attached by ClinVar (database versions not stated): gnomAD exomes below 0.00001; gnomAD 0.00001; TOPMed 0.00001; 1000 Genomes Project 0.00020; 1000 Genomes Project 30x 0.00031.
gnomAD v4.1: 7 of 1,608,848 alleles (0.00044%); highest among the groups gnomAD compares: Admixed American, 0.0017%; no homozygotes.

Submissions (4):

Labcorp Genetics (formerly Invitae), Labcorp
Classification: Likely pathogenic for Dilated cardiomyopathy 1G; Autosomal recessive limb-girdle muscular dystrophy type 2J. Last evaluated: 2026-01-25. Review status: criteria provided, single submitter. Criteria: Invitae Variant Classification Sherloc (09022015). Collection method: clinical testing. Allele origin: germline.
Comment: This sequence change creates a premature translational stop signal (p.Arg7040*) in the TTN gene. While this is not anticipated to result in nonsense mediated decay, it is expected to create a truncated TTN protein. The frequency data for this variant in the population databases is considered unreliable, as metrics indicate poor data quality at this position in the gnomAD database. This premature translational stop signal has been observed in individual(s) with dilated cardiomyopathy (PMID: 32880476). ClinVar contains an entry for this variant (Variation ID: 1024391). This variant is located in the I band of TTN (PMID: 25589632). Truncating variants in this region have been reported in individuals affected with autosomal recessive centronuclear myopathy (PMID: 23975875, internal data). Truncating variants in this region have also been identified in individuals affected with autosomal dominant dilated cardiomyopathy and/or cardio-related conditions (PMID: 27869827, 32964742, internal data). In summary, the currently available evidence indicates that the variant is pathogenic, but additional data are needed to prove that conclusively. Therefore, this variant has been classified as Likely Pathogenic.

Fulgent Genetics
Classification: Uncertain significance for Tibial muscular dystrophy; Myopathy, myofibrillar, 9, with early respiratory failure; Dilated cardiomyopathy 1G; Autosomal recessive limb-girdle muscular dystrophy type 2J; Early-onset myopathy with fatal cardiomyopathy; Hypertrophic cardiomyopathy 9. Last evaluated: 2021-08-16. Review status: criteria provided, single submitter. Criteria: ACMG Guidelines, 2015. Collection method: clinical testing. Allele origin: unknown.

Joint Genome Diagnostic Labs from Nijmegen and Maastricht, Radboudumc and MUMC+
Classification: Uncertain significance. Review status: no assertion criteria provided. Collection method: clinical testing. Allele origin: germline. Affected: yes. Study: VKGL Data-share Consensus. Not counted in ClinVar's aggregate classification.

Laboratory of Diagnostic Genome Analysis, Leiden University Medical Center (LUMC)
Classification: Uncertain significance. Review status: no assertion criteria provided. Collection method: clinical testing. Allele origin: germline. Affected: yes. Study: VKGL Data-share Consensus. Not counted in ClinVar's aggregate classification.

Literature cited by the submitters: PubMed 32880476 (cited by Labcorp Genetics (formerly Invitae), Labcorp); PubMed 25589632 (cited by Labcorp Genetics (formerly Invitae), Labcorp); PubMed 23975875 (cited by Labcorp Genetics (formerly Invitae), Labcorp); PubMed 27869827 (cited by Labcorp Genetics (formerly Invitae), Labcorp); PubMed 32964742 (cited by Labcorp Genetics (formerly Invitae), Labcorp).

NM_001267550.2(TTN):c.21118C>T (p.Arg7040Ter)

Genes: TTN (titin; minus strand), LOC126806428 (BRD4-independent group 4 enhancer GRCh37_chr2:179588362-179589561; plus strand). Cytogenetic location: 2q31.2.
Variant type: single nucleotide variant.
Coding change: c.21118C>T on transcript NM_001267550.2 (MANE Select); coding-DNA position 21118, C replaced by T.
Protein change: p.Arg7040Ter; replaces arginine 7040 with a stop codon.
Molecular consequence: nonsense. On other transcripts: intron variant (3).
Genome position (GRCh38, 1-based): chr2:178,724,141, G>A on the plus strand (C>T on the coding strand, the complement: TTN is on the minus strand). VCF-style: chr2-178724141-G-A. GRCh37 (hg19) VCF-style: chr2-179588868-G-A.
Other names: c.20167C>T, p.Arg6723Ter (NM_001256850.1); c.17386C>T, p.Arg5796Ter (NM_133378.4); c.13282+13941C>T (NM_003319.4); c.13858+13941C>T (NM_133437.4); c.13657+13941C>T (NM_133432.3); short protein forms R5796*, R6723*, R7040*.
Identifiers: ClinVar variation 1024391 (VCV001024391.18), dbSNP rs576359448, ClinGen allele CA60974346.